The following is an entry in ClinVar:

ClinVar aggregate classification (germline): Uncertain significance (1 of 4 stars; one submission).

Conditions:
KBG syndrome (KBGS). Also called: ANKRD11-Related KBG Syndrome. Identifiers: Orphanet 2332, MedGen C0220687, MONDO:0007846, OMIM 148050.

Allele frequency attached by ClinVar (database versions not stated): gnomAD 0.00004; ExAC 0.00005; gnomAD exomes 0.00006; TOPMed 0.00007.
gnomAD v4.1: 47 of 1,612,394 alleles (0.0029%); highest among the groups gnomAD compares: East Asian, 0.033%; no homozygotes.

Submission:

Labcorp Genetics (formerly Invitae), Labcorp
Classification: Uncertain significance for KBG syndrome. Last evaluated: 2025-04-11. Review status: criteria provided, single submitter. Criteria: Invitae Variant Classification Sherloc (09022015). Collection method: clinical testing. Allele origin: germline.
Comment: This sequence change replaces proline, which is neutral and non-polar, with leucine, which is neutral and non-polar, at codon 999 of the ANKRD11 protein (p.Pro999Leu). This variant is present in population databases (rs780895582, gnomAD 0.01%). This variant has not been reported in the literature in individuals affected with ANKRD11-related conditions. ClinVar contains an entry for this variant (Variation ID: 1359019). Invitae Evidence Modeling of protein sequence and biophysical properties (such as structural, functional, and spatial information, amino acid conservation, physicochemical variation, residue mobility, and thermodynamic stability) indicates that this missense variant is not expected to disrupt ANKRD11 protein function with a negative predictive value of 95%. In summary, the available evidence is currently insufficient to determine the role of this variant in disease. Therefore, it has been classified as a Variant of Uncertain Significance.

NM_013275.6(ANKRD11):c.2996C>T (p.Pro999Leu)

Gene: ANKRD11 (ankyrin repeat domain 11; minus strand). Cytogenetic location: 16q24.3.
Variant type: single nucleotide variant.
Coding change: c.2996C>T on transcript NM_013275.6 (MANE Select); coding-DNA position 2996, C replaced by T.
Protein change: p.Pro999Leu; replaces proline 999 with leucine.
Molecular consequence: missense variant.
Genome position (GRCh38, 1-based): chr16:89,283,546, G>A on the plus strand (C>T on the coding strand, the complement: ANKRD11 is on the minus strand). VCF-style: chr16-89283546-G-A. GRCh37 (hg19) VCF-style: chr16-89349954-G-A.
Other names: c.2996C>T, p.Pro999Leu (NM_001256182.2, NM_001256183.2); short protein forms P999L.
Identifiers: ClinVar variation 1359019 (VCV001359019.8), dbSNP rs780895582, ClinGen allele CA8242454.
Genomic context (GRCh38, chr16:89,283,546, plus strand): 5'-CTTTCCTTATCGGGGCCATCCTTCTTCTCCTTCTCTCGTGCTGGGTGGTGCCGTTCCCAC[G>A]GCTCCAGGCCCTTCCCAAAGTCGCCGTCGGACTTGTCCTTGAAGCCACTCTCGCAGCCAC-3'
Protein context (NP_037407.4, residues 989-1009): SDGDFGKGLE[Pro999Leu]WERHHPAREK